The following is an entry in ClinVar:

ClinVar aggregate classification (germline): Uncertain significance (0 of 4 stars; one submission).

Conditions:
GEMIN4-related disorder. Also called: GEMIN4-related condition.

Submission:

PreventionGenetics, part of Exact Sciences
Classification: Uncertain significance for GEMIN4-related condition. Last evaluated: 2024-05-28. Review status: no assertion criteria provided. Collection method: clinical testing. Allele origin: germline.
Comment: The GEMIN4 c.2861_2864delTCAG variant is predicted to result in a frameshift and premature protein termination (p.Val954Glyfs*17). To our knowledge, this variant has not been reported in the literature. This variant is reported in 0.057% of alleles in individuals of European (Finnish) descent in gnomAD. At this time, the clinical significance of this variant is uncertain due to the absence of conclusive functional and genetic evidence.

NM_015721.3(GEMIN4):c.2861_2864del (p.Val954fs)

Gene: GEMIN4 (gem nuclear organelle associated protein 4; minus strand). Cytogenetic location: 17p13.3.
Variant type: Microsatellite.
Coding change: c.2861_2864del on transcript NM_015721.3 (MANE Select); coding-DNA positions 2861 to 2864, 4 bases deleted (TCAG; older notation c.2861_2864delTCAG).
Protein change: p.Val954fs; shifts the reading frame from valine 954.
Molecular consequence: frameshift variant.
Genome position (GRCh38, 1-based): chr17:745,179-745,182, CTGA deleted on the plus strand (TCAG on the coding strand, the reverse complement: GEMIN4 is on the minus strand); deleting any 4 consecutive bases within chr17:745,179-745,186 gives the same sequence; the c. name uses the placement nearest the transcript's 3' end. VCF-style (leftmost placement, unchanged base first): chr17-745178-CCTGA-C. GRCh37 (hg19) VCF-style: chr17-648418-CCTGA-C.
Other names: short protein forms V954fs.
Identifiers: ClinVar variation 3351672 (VCV003351672.1).